The following is an entry in ClinVar:

NM_004380.3(CREBBP):c.4281-19A>G

Gene: CREBBP (CREB binding lysine acetyltransferase; minus strand). Cytogenetic location: 16p13.3.
Variant type: single nucleotide variant.
Coding change: c.4281-19A>G on transcript NM_004380.3 (MANE Select); 19 bases into the intron before coding-DNA position 4281, A replaced by G.
Molecular consequence: intron variant.
Genome position (GRCh38, 1-based): chr16:3,738,691, T>C on the plus strand (A>G on the coding strand, the complement: CREBBP is on the minus strand). VCF-style: chr16-3738691-T-C. GRCh37 (hg19) VCF-style: chr16-3788692-T-C.
Other names: c.4281-19A>G (NM_004380.2); c.4167-19A>G (NM_001079846.1).
Identifiers: ClinVar variation 2918170 (VCV002918170.5), dbSNP rs745779606, ClinGen allele CA7869554.

ClinVar aggregate classification (germline): Likely benign. Review status: criteria provided, single submitter (1 of 4 stars). 2 submissions from 2 submitters: Likely benign (1). 1 of the submissions does not count toward it. Last evaluated 2025-10-29.

Conditions:
CREBBP-related disorder. Also called: CREBBP-related condition; CREBBP-related disorders.
Rubinstein-Taybi syndrome (RSTS). Identifiers: Orphanet 783, MedGen C0035934, MONDO:0019188.

Allele frequency attached by ClinVar (database versions not stated): gnomAD exomes below 0.00001; gnomAD 0.00001; ExAC 0.00002; TOPMed 0.00002.
gnomAD v4.1: 7 of 1,492,476 alleles (0.00047%); highest among the groups gnomAD compares: African/African-American, 0.0028%; no homozygotes.

Submissions (2):

Labcorp Genetics (formerly Invitae), Labcorp
Classification: Likely benign for Rubinstein-Taybi syndrome. Last evaluated: 2025-10-29. Review status: criteria provided, single submitter. Criteria: Invitae Variant Classification Sherloc (09022015). Collection method: clinical testing. Allele origin: germline.

PreventionGenetics, part of Exact Sciences
Classification: Likely benign for CREBBP-related condition. Last evaluated: 2022-11-14. Review status: no assertion criteria provided. Collection method: clinical testing. Allele origin: germline. Not counted in ClinVar's aggregate classification.
Comment: This variant is classified as likely benign based on ACMG/AMP sequence variant interpretation guidelines (Richards et al. 2015 PMID: 25741868, with internal and published modifications).